The following is an entry in ClinVar:

NM_024753.5(TTC21B):c.1910C>T (p.Thr637Ile)

Gene: TTC21B (tetratricopeptide repeat domain 21B; minus strand). Cytogenetic location: 2q24.3.
Variant type: single nucleotide variant.
Coding change: c.1910C>T on transcript NM_024753.5 (MANE Select); coding-DNA position 1910, C replaced by T.
Protein change: p.Thr637Ile; replaces threonine 637 with isoleucine.
Molecular consequence: missense variant.
Genome position (GRCh38, 1-based): chr2:165,915,429, G>A on the plus strand (C>T on the coding strand, the complement: TTC21B is on the minus strand). VCF-style: chr2-165915429-G-A. GRCh37 (hg19) VCF-style: chr2-166771939-G-A.
Other names: short protein forms T637I.
Identifiers: ClinVar variation 3752184 (VCV003752184.2).

ClinVar aggregate classification (germline): Uncertain significance (1 of 4 stars; one submission).

Conditions:
Jeune thoracic dystrophy. Also called: Infantile thoracic dystrophy; Thoracic pelvic phalangeal dystrophy; Jeune's syndrome; Chondroectodermal dysplasia-like syndrome; Jeune syndrome; Short-rib thoracic dysplasia. Identifiers: Orphanet 474, MedGen C0265275, MONDO:0018770.
Nephronophthisis. Also called: Juvenile Nephronophthisis. Identifiers: Orphanet 655, MedGen C0687120, MONDO:0019005, HP:0000090.

Submission:

Labcorp Genetics (formerly Invitae), Labcorp
Classification: Uncertain significance for Jeune thoracic dystrophy; Nephronophthisis. Last evaluated: 2024-06-08. Review status: criteria provided, single submitter. Criteria: Invitae Variant Classification Sherloc (09022015). Collection method: clinical testing. Allele origin: germline.
Comment: This sequence change replaces threonine, which is neutral and polar, with isoleucine, which is neutral and non-polar, at codon 637 of the TTC21B protein (p.Thr637Ile). This variant is present in population databases (no rsID available, gnomAD 0.003%). This variant has not been reported in the literature in individuals affected with TTC21B-related conditions. Advanced modeling of protein sequence and biophysical properties (such as structural, functional, and spatial information, amino acid conservation, physicochemical variation, residue mobility, and thermodynamic stability) performed at Invitae indicates that this missense variant is not expected to disrupt TTC21B protein function with a negative predictive value of 95%. In summary, the available evidence is currently insufficient to determine the role of this variant in disease. Therefore, it has been classified as a Variant of Uncertain Significance.